The following is an entry in ClinVar:

ClinVar aggregate classification (germline): Likely benign. Review status: criteria provided, multiple submitters, no conflicts (2 of 4 stars). 2 submissions from 2 submitters: Likely benign (2). Last evaluated 2025-10-27.

Conditions:
TBX3-related disorder. Also called: TBX3-related condition.
Ulnar-mammary syndrome (UMS). Also called: Ulnar-mammary syndrome of Pallister; PALLISTER ULNAR-MAMMARY SYNDROME; SCHINZEL SYNDROME. Identifiers: Orphanet 3138, MedGen C1866994, MONDO:0008411, OMIM 181450.

gnomAD v4.1: 1 of 1,583,626 alleles (0.000063%); highest among the groups gnomAD compares: Admixed American, 0.0019%; no homozygotes.

Submissions (2):

PreventionGenetics, part of Exact Sciences
Classification: Likely benign for TBX3-related condition. Last evaluated: 2025-10-27. Review status: criteria provided, single submitter. Criteria: ACMG Guidelines, 2015. Collection method: clinical testing. Allele origin: germline.
Comment: This variant is classified as likely benign based on ACMG/AMP sequence variant interpretation guidelines (Richards et al. 2015 PMID: 25741868, with internal and published modifications).

Labcorp Genetics (formerly Invitae), Labcorp
Classification: Likely benign for Ulnar-mammary syndrome. Last evaluated: 2024-06-24. Review status: criteria provided, single submitter. Criteria: Invitae Variant Classification Sherloc (09022015). Collection method: clinical testing. Allele origin: germline.

NM_005996.4(TBX3):c.1698C>T (p.Val566=)

Gene: TBX3 (T-box transcription factor 3; minus strand). Cytogenetic location: 12q24.21.
Variant type: single nucleotide variant.
Coding change: c.1698C>T on transcript NM_005996.4 (MANE Select); coding-DNA position 1698, C replaced by T.
Protein change: p.Val566=; no amino-acid change (valine 566 retained).
Molecular consequence: synonymous variant.
Genome position (GRCh38, 1-based): chr12:114,674,177, G>A on the plus strand (C>T on the coding strand, the complement: TBX3 is on the minus strand). VCF-style: chr12-114674177-G-A. GRCh37 (hg19) VCF-style: chr12-115111982-G-A.
Other names: c.1758C>T, p.Val586= (NM_016569.4); c.1758C>T (NM_016569.3).
Identifiers: ClinVar variation 3686757 (VCV003686757.3).